The following is an entry in ClinVar:

NM_014159.7(SETD2):c.4767T>C (p.Phe1589=)

Gene: SETD2 (SET domain containing 2, histone lysine methyltransferase; minus strand). Cytogenetic location: 3p21.31.
Variant type: single nucleotide variant.
Coding change: c.4767T>C on transcript NM_014159.7 (MANE Select); coding-DNA position 4767, T replaced by C.
Protein change: p.Phe1589=; no amino-acid change (phenylalanine 1589 retained).
Molecular consequence: synonymous variant. On other transcripts: non-coding transcript variant (1).
Genome position (GRCh38, 1-based): chr3:47,106,069, A>G on the plus strand (T>C on the coding strand, the complement: SETD2 is on the minus strand). VCF-style: chr3-47106069-A-G. GRCh37 (hg19) VCF-style: chr3-47147559-A-G.
Other names: c.4635T>C, p.Phe1545= (NM_001349370.3).
Identifiers: ClinVar variation 2852067 (VCV002852067.5), dbSNP rs768311118, ClinGen allele CA2363121.

ClinVar aggregate classification (germline): Benign. Review status: criteria provided, single submitter (1 of 4 stars). 2 submissions from 2 submitters: Benign (1). 1 of the submissions does not count toward it. Last evaluated 2024-01-24.

Conditions:
SETD2-related disorder.
Luscan-Lumish syndrome. Identifiers: Orphanet 597738, MedGen C4085873, MONDO:0014791, OMIM 616831.

Allele frequency attached by ClinVar (database versions not stated): gnomAD 0.00001; gnomAD exomes 0.00001; TOPMed 0.00001; ExAC 0.00004.
gnomAD v4.1: 19 of 1,613,858 alleles (0.0012%); highest among the groups gnomAD compares: East Asian, 0.038%; no homozygotes.

Submissions (2):

Labcorp Genetics (formerly Invitae), Labcorp
Classification: Benign for Luscan-Lumish syndrome. Last evaluated: 2024-01-24. Review status: criteria provided, single submitter. Criteria: Invitae Variant Classification Sherloc (09022015). Collection method: clinical testing. Allele origin: germline.

PreventionGenetics, part of Exact Sciences
Classification: Likely benign for SETD2-related condition. Last evaluated: 2019-08-08. Review status: no assertion criteria provided. Collection method: clinical testing. Allele origin: germline. Not counted in ClinVar's aggregate classification.
Comment: This variant is classified as likely benign based on ACMG/AMP sequence variant interpretation guidelines (Richards et al. 2015 PMID: 25741868, with internal and published modifications).